The following is an entry in ClinVar:

NM_003500.4(ACOX2):c.57C>T (p.His19=)

Gene: ACOX2 (acyl-CoA oxidase 2; minus strand). Cytogenetic location: 3p14.3.
Variant type: single nucleotide variant.
Coding change: c.57C>T on transcript NM_003500.4 (MANE Select); coding-DNA position 57, C replaced by T.
Protein change: p.His19=; no amino-acid change (histidine 19 retained).
Molecular consequence: synonymous variant.
Genome position (GRCh38, 1-based): chr3:58,535,050, G>A on the plus strand (C>T on the coding strand, the complement: ACOX2 is on the minus strand). VCF-style: chr3-58535050-G-A. GRCh37 (hg19) VCF-style: chr3-58520777-G-A.
Identifiers: ClinVar variation 4988483 (VCV004988483.1).

ClinVar aggregate classification (germline): Likely benign (1 of 4 stars; one submission).

Conditions:
ACOX2-related disorder. Also called: ACOX2-related condition.

gnomAD v4.1: 25 of 1,614,064 alleles (0.0015%); highest among the groups gnomAD compares: Admixed American, 0.0067%; no homozygotes.

Submission:

PreventionGenetics, part of Exact Sciences
Classification: Likely benign for ACOX2-related condition. Last evaluated: 2025-08-13. Review status: criteria provided, single submitter. Criteria: ACMG Guidelines, 2015. Collection method: clinical testing. Allele origin: germline.
Comment: This variant is classified as likely benign based on ACMG/AMP sequence variant interpretation guidelines (Richards et al. 2015 PMID: 25741868, with internal and published modifications).